The following is an entry in ClinVar:

ClinVar aggregate classification (germline): Uncertain significance (1 of 4 stars; one submission).

Conditions:
Neurodevelopmental disorder with hearing loss and spasticity. Identifiers: Orphanet 659975, MedGen C5562024, MONDO:0859206, OMIM 619616.

gnomAD v4.1: 1 of 1,577,254 alleles (0.000063%); highest among the groups gnomAD compares: Admixed American, 0.0018%; no homozygotes.

Submission:

3billion
Classification: Uncertain significance for Neurodevelopmental disorder with hearing loss and spasticity. Last evaluated: 2025-08-13. Review status: criteria provided, single submitter. Criteria: ACMG Guidelines, 2015. Collection method: clinical testing. Allele origin: germline. Affected: yes.
Comment: The variant is observed at an extremely low frequency in the gnomAD v4.1.0 dataset (total allele frequency: <0.001%). Predicted Consequence/Location: Missense variant In silico tool predictions suggest damaging effect of the variant on gene or gene product [REVEL: 0.67 (>=0.6, sensitivity 0.68 and specificity 0.92)]. Therefore, this variant is classified as VUS according to the recommendation of ACMG/AMP guideline.

NM_024063.3(AFG2B):c.224A>G (p.Asp75Gly)

Gene: AFG2B (AAA ATPase AFG2B; plus strand). Cytogenetic location: 15q21.1.
Variant type: single nucleotide variant.
Coding change: c.224A>G on transcript NM_024063.3 (MANE Select); coding-DNA position 224, A replaced by G.
Protein change: p.Asp75Gly; replaces aspartic acid 75 with glycine.
Molecular consequence: missense variant. On other transcripts: non-coding transcript variant (5).
Genome position (GRCh38, 1-based): chr15:45,402,653, A>G. VCF-style: chr15-45402653-A-G. GRCh37 (hg19) VCF-style: chr15-45694851-A-G.
Other names: c.224A>G, p.Asp75Gly (NM_001323640.2); short protein forms D75G.
Identifiers: ClinVar variation 4855695 (VCV004855695.1).
Genomic context (GRCh38, chr15:45,402,653, plus strand): 5'-GCTCCTGCCTCTGCACTGCCTGGCCTCGGCGGGACGGAGCGGACGGCTTTGTGCAGCTGG[A>G]CCCGCTGTGCGCGAGCCCCGGGGCGGCGGTCGGGGCGTCGAGATCCCGGAGGAGTCTCAG-3'
Protein context (NP_076968.2, residues 65-85): RDGADGFVQL[Asp75Gly]PLCASPGAAV